The following is an entry in ClinVar:

ClinVar aggregate classification (germline): Uncertain significance. Review status: criteria provided, multiple submitters, no conflicts (2 of 4 stars). 2 submissions from 2 submitters: Uncertain significance (2). Last evaluated 2025-08-12.

Conditions:
Ichthyosis linearis circumflexa. Identifiers: MedGen C0265962, MONDO:0043106, HP:0025810.
Inborn genetic diseases. Identifiers: MedGen C0950123, MeSH D030342.

Allele frequency attached by ClinVar (database versions not stated): gnomAD exomes below 0.00001; TOPMed below 0.00001.
gnomAD v4.1: 1 of 1,613,130 alleles (0.000062%); highest among the groups gnomAD compares: Non-Finnish European, 0.000085%; no homozygotes.

Submissions (2):

Ambry Genetics
Classification: Uncertain significance for Inborn genetic diseases. Last evaluated: 2025-08-12. Review status: criteria provided, single submitter. Criteria: Ambry Variant Classification Scheme 2023. Collection method: clinical testing. Allele origin: germline.

Labcorp Genetics (formerly Invitae), Labcorp
Classification: Uncertain significance for Ichthyosis linearis circumflexa. Last evaluated: 2023-01-03. Review status: criteria provided, single submitter. Criteria: Invitae Variant Classification Sherloc (09022015). Collection method: clinical testing. Allele origin: germline.
Comment: In summary, the available evidence is currently insufficient to determine the role of this variant in disease. Therefore, it has been classified as a Variant of Uncertain Significance. Advanced modeling of protein sequence and biophysical properties (such as structural, functional, and spatial information, amino acid conservation, physicochemical variation, residue mobility, and thermodynamic stability) performed at Invitae indicates that this missense variant is not expected to disrupt SPINK5 protein function. This variant has not been reported in the literature in individuals affected with SPINK5-related conditions. This variant is not present in population databases (gnomAD no frequency). This sequence change replaces threonine, which is neutral and polar, with isoleucine, which is neutral and non-polar, at codon 382 of the SPINK5 protein (p.Thr382Ile).

NM_006846.4(SPINK5):c.1145C>T (p.Thr382Ile)

Gene: SPINK5 (serine peptidase inhibitor Kazal type 5; plus strand). Cytogenetic location: 5q32.
Variant type: single nucleotide variant.
Coding change: c.1145C>T on transcript NM_006846.4 (MANE Select); coding-DNA position 1145, C replaced by T.
Protein change: p.Thr382Ile; replaces threonine 382 with isoleucine.
Molecular consequence: missense variant.
Genome position (GRCh38, 1-based): chr5:148,100,506, C>T. VCF-style: chr5-148100506-C-T. GRCh37 (hg19) VCF-style: chr5-147480069-C-T.
Other names: c.1145C>T, p.Thr382Ile (NM_001127698.2, NM_001127699.2); short protein forms T382I.
Identifiers: ClinVar variation 2978240 (VCV002978240.4), dbSNP rs1047208711, ClinGen allele CA128918250.
Genomic context (GRCh38, chr5:148,100,506, plus strand): 5'-CTCGGCAGGAGCTTTGCAGTGAATATCGAAAGCTTGTGAGGAACGGAAAACTTGCTTGCA[C>T]CAGAGAGAACGATCCTATCCAGGGCCCAGATGGGAAAGTGCATGGCAACACCTGCTCCAT-3'
Protein context (NP_006837.2, residues 372-392): KLVRNGKLAC[Thr382Ile]RENDPIQGPD